The following is an entry in ClinVar:

ClinVar aggregate classification (germline): Uncertain significance (1 of 4 stars; one submission).

Allele frequency attached by ClinVar (database versions not stated): gnomAD exomes below 0.00001.
gnomAD v4.1: 1 of 1,608,660 alleles (0.000062%); highest among the groups gnomAD compares: Non-Finnish European, 0.000085%; no homozygotes.

Submission:

Labcorp Genetics (formerly Invitae), Labcorp
Classification: Uncertain significance. Last evaluated: 2023-10-16. Review status: criteria provided, single submitter. Criteria: Invitae Variant Classification Sherloc (09022015). Collection method: clinical testing. Allele origin: germline.
Comment: This sequence change affects codon 664 of the NALCN mRNA. It is a 'silent' change, meaning that it does not change the encoded amino acid sequence of the NALCN protein. This variant is not present in population databases (gnomAD no frequency). This variant has not been reported in the literature in individuals affected with NALCN-related conditions. Algorithms developed to predict the effect of sequence changes on RNA splicing suggest that this variant may disrupt the consensus splice site. In summary, the available evidence is currently insufficient to determine the role of this variant in disease. Therefore, it has been classified as a Variant of Uncertain Significance.

NM_052867.4(NALCN):c.1992G>A (p.Lys664=)

Gene: NALCN (sodium leak channel, non-selective; minus strand). Cytogenetic location: 13q33.1.
Variant type: single nucleotide variant.
Coding change: c.1992G>A on transcript NM_052867.4 (MANE Select); coding-DNA position 1992, G replaced by A.
Protein change: p.Lys664=; no amino-acid change (lysine 664 retained).
Molecular consequence: synonymous variant.
Genome position (GRCh38, 1-based): chr13:101,143,206, C>T on the plus strand (G>A on the coding strand, the complement: NALCN is on the minus strand). VCF-style: chr13-101143206-C-T. GRCh37 (hg19) VCF-style: chr13-101795557-C-T.
Other names: c.1992G>A, p.Lys664= (NM_001350748.2, NM_001350749.2); c.1905G>A, p.Lys635= (NM_001350750.2, NM_001350751.2).
Identifiers: ClinVar variation 2798925 (VCV002798925.3), dbSNP rs2502452604, ClinGen allele CA484554766.